The following is an entry in ClinVar:

ClinVar aggregate classification (germline): Uncertain significance (1 of 4 stars; one submission).

Conditions:
Progressive myoclonic epilepsy type 9. Identifiers: Orphanet 457265, MedGen C4225289, MONDO:0014685, OMIM 616540.
Lipodystrophy, partial, acquired, susceptibility to (APLD). Also called: APLD, SUSCEPTIBILITY TO. Identifiers: MedGen C3887501, MONDO:0100476, OMIM 608709.

Submission:

Labcorp Genetics (formerly Invitae), Labcorp
Classification: Uncertain significance for Progressive myoclonic epilepsy type 9; Lipodystrophy, partial, acquired, susceptibility to. Last evaluated: 2023-02-24. Review status: criteria provided, single submitter. Criteria: Invitae Variant Classification Sherloc (09022015). Collection method: clinical testing. Allele origin: germline.
Comment: In summary, the available evidence is currently insufficient to determine the role of this variant in disease. Therefore, it has been classified as a Variant of Uncertain Significance. An algorithm developed to predict the effect of missense changes on protein structure and function (PolyPhen-2) suggests that this variant is likely to be tolerated. This variant has not been reported in the literature in individuals affected with LMNB2-related conditions. The frequency data for this variant in the population databases is considered unreliable, as metrics indicate insufficient coverage at this position in the gnomAD database. This sequence change replaces leucine, which is neutral and non-polar, with valine, which is neutral and non-polar, at codon 25 of the LMNB2 protein (p.Leu25Val).

NM_032737.4(LMNB2):c.73C>G (p.Leu25Val)

Gene: LMNB2 (lamin B2; minus strand). Cytogenetic location: 19p13.3.
Variant type: single nucleotide variant.
Coding change: c.73C>G on transcript NM_032737.4 (MANE Select); coding-DNA position 73, C replaced by G.
Protein change: p.Leu25Val; replaces leucine 25 with valine.
Molecular consequence: missense variant.
Genome position (GRCh38, 1-based): chr19:2,456,861, G>C on the plus strand (C>G on the coding strand, the complement: LMNB2 is on the minus strand). VCF-style: chr19-2456861-G-C. GRCh37 (hg19) VCF-style: chr19-2456859-G-C.
Other names: short protein forms L25V.
Identifiers: ClinVar variation 2942019 (VCV002942019.3), dbSNP rs2512249719, ClinGen allele CA403260110.
Genomic context (GRCh38, chr19:2,456,861, plus strand): 5'-GCAGCCGCGACAGGCGCGTGGGCGACAGCGGCGTGGCGGGCCCGCCCGCGCGGCCGGGCA[G>C]CGGCGTGGCCATGGTGGCGGCGGCTCGCGGCCTGCGCTGCTCCCGACGGCGGCCCGGGCT-3'
Protein context (NP_116126.3, residues 15-35): PRAAATMATP[Leu25Val]PGRAGGPATP